The following is an entry in ClinVar:

ClinVar aggregate classification (germline): Conflicting classifications of pathogenicity. Review status: criteria provided, conflicting classifications (1 of 4 stars). 2 submissions from 2 submitters: Uncertain significance (1); Likely benign (1). Last evaluated 2022-11-08.

Conditions:
Facioscapulohumeral muscular dystrophy 2 (FSHD2). Also called: FACIOSCAPULOHUMERAL MUSCULAR DYSTROPHY 2, DIGENIC; FSHD2, DIGENIC; MUSCULAR DYSTROPHY, FACIOSCAPULOHUMERAL, TYPE 1B. Identifiers: Orphanet 269, MedGen C1834671, MONDO:0008031, OMIM 158901.

Allele frequency attached by ClinVar (database versions not stated): TOPMed below 0.00001; gnomAD 0.00001; gnomAD exomes 0.00001; ExAC 0.00003.

Submissions (2):

Labcorp Genetics (formerly Invitae), Labcorp
Classification: Uncertain significance for Facioscapulohumeral muscular dystrophy 2. Last evaluated: 2022-11-08. Review status: criteria provided, single submitter. Criteria: Invitae Variant Classification Sherloc (09022015). Collection method: clinical testing. Allele origin: germline.
Comment: The frequency data for this variant in the population databases is considered unreliable, as metrics indicate poor data quality at this position in the gnomAD database. This sequence change replaces glycine, which is neutral and non-polar, with serine, which is neutral and polar, at codon 7 of the SMCHD1 protein (p.Gly7Ser). This variant has not been reported in the literature in individuals affected with SMCHD1-related conditions. ClinVar contains an entry for this variant (Variation ID: 1008120). Algorithms developed to predict the effect of missense changes on protein structure and function output the following: SIFT: "Tolerated"; PolyPhen-2: "Not Available"; Align-GVGD: "Class C0". The serine amino acid residue is found in multiple mammalian species, which suggests that this missense change does not adversely affect protein function. In summary, the available evidence is currently insufficient to determine the role of this variant in disease. Therefore, it has been classified as a Variant of Uncertain Significance.

Blueprint Genetics
Classification: Likely benign. Last evaluated: 2021-08-16. Review status: criteria provided, single submitter. Criteria: ACMG Guidelines, 2015. Collection method: clinical testing. Allele origin: germline.

NM_015295.3(SMCHD1):c.19G>A (p.Gly7Ser)

Gene: SMCHD1 (structural maintenance of chromosomes flexible hinge domain containing 1; plus strand). Cytogenetic location: 18p11.32.
Variant type: single nucleotide variant.
Coding change: c.19G>A on transcript NM_015295.3 (MANE Select); coding-DNA position 19, G replaced by A.
Protein change: p.Gly7Ser; replaces glycine 7 with serine.
Molecular consequence: missense variant.
Genome position (GRCh38, 1-based): chr18:2,656,094, G>A. VCF-style: chr18-2656094-G-A. GRCh37 (hg19) VCF-style: chr18-2656093-G-A.
Other names: short protein forms G7S.
Identifiers: ClinVar variation 1008120 (VCV001008120.7), dbSNP rs762420641, ClinGen allele CA8870438.
Genomic context (GRCh38, chr18:2,656,094, plus strand): 5'-CGGCGGCGGCAGGCGTCGCTGTCTTTTCTCCTTTTCCCCAATATGGCAGCGGCGGACGGC[G>A]GCGGGCCTGGTGGGGCCTCTGTGGGGACTGAGGAGGATGGCGGAGGCGTCGGCCACAGGA-3'
Protein context (NP_056110.2, residues 1-17): MAAADG[Gly7Ser]GPGGASVGTE